The following is an entry in ClinVar:

ClinVar aggregate classification (germline): Conflicting classifications of pathogenicity. Review status: criteria provided, conflicting classifications (1 of 4 stars). 5 submissions from 5 submitters: Pathogenic (2); Uncertain significance (1). 2 of the submissions do not count toward it. Last evaluated 2025-08-21.

Conditions:
3-Oxo-5 alpha-steroid delta 4-dehydrogenase deficiency (PPSH). Also called: MALE PSEUDOHERMAPHRODITISM DUE TO 5-ALPHA-REDUCTASE DEFICIENCY; FAMILIAL INCOMPLETE MALE PSEUDOHERMAPHRODITISM, TYPE 2; 46,XY disorder of sex development due to 5-alpha-reductase 2 deficiency; PSEUDOVAGINAL PERINEOSCROTAL HYPOSPADIAS. Identifiers: Orphanet 753, MedGen C0268297, MONDO:0009923, OMIM 264600. Disease mechanism: loss of function.

Allele frequency attached by ClinVar (database versions not stated): TOPMed 0.00001; ExAC 0.00007; gnomAD exomes 0.00006 and 0.00003.
gnomAD v4.1: 16 of 1,613,964 alleles (0.00099%); highest among the groups gnomAD compares: Admixed American, 0.027%; no homozygotes.

Submissions (5):

3billion
Classification: Pathogenic for 3-Oxo-5 alpha-steroid delta 4-dehydrogenase deficiency. Last evaluated: 2025-08-21. Review status: criteria provided, single submitter. Criteria: ACMG Guidelines, 2015. Collection method: clinical testing. Allele origin: germline. Affected: yes.
Comment: The variant is observed at an extremely low frequency in the gnomAD v4.1.0 dataset (total allele frequency: 0.001%). Predicted Consequence/Location: Missense variant Functional studies provide strong evidence of the variant having a damaging effect on the gene or gene product (PMID: 20019388). The same nucleotide change resulting in the same amino acid change has been previously reported as pathogenic/likely pathogenic with strong evidence (ClinVar ID: VCV000003348 /PMID: 9135696 /3billion dataset). The variant has been reported to be in trans with a pathogenic variant as either compound heterozygous or homozygous in at least 4 similarly affected unrelated individuals (PMID: 20019388). Therefore, this variant is classified as Pathogenic according to the recommendation of ACMG/AMP guideline.

Labcorp Genetics (formerly Invitae), Labcorp
Classification: Pathogenic for 3-Oxo-5 alpha-steroid delta 4-dehydrogenase deficiency. Last evaluated: 2025-07-22. Review status: criteria provided, single submitter. Criteria: Invitae Variant Classification Sherloc (09022015). Collection method: clinical testing. Allele origin: germline.
Comment: This sequence change replaces proline, which is neutral and non-polar, with arginine, which is basic and polar, at codon 212 of the SRD5A2 protein (p.Pro212Arg). This variant is present in population databases (rs121434252, gnomAD 0.04%). This missense change has been observed in individuals with disorders of sex development (PMID: 8110760, 8262007, 9135696, 10718838, 10999800, 20019388). It is commonly reported in individuals of Mexican ancestry (PMID: 8110760, 8262007, 9135696, 10718838, 10999800, 20019388). ClinVar contains an entry for this variant (Variation ID: 3348). Invitae Evidence Modeling of protein sequence and biophysical properties (such as structural, functional, and spatial information, amino acid conservation, physicochemical variation, residue mobility, and thermodynamic stability) indicates that this missense variant is expected to disrupt SRD5A2 protein function with a positive predictive value of 80%. Experimental studies have shown that this missense change affects SRD5A2 function (PMID: 8110760, 24665940). For these reasons, this variant has been classified as Pathogenic.

Women's Health and Genetics/Laboratory Corporation of America, LabCorp
Classification: Uncertain significance. Last evaluated: 2025-06-18. Review status: criteria provided, single submitter. Criteria: LabCorp Variant Classification Summary - May 2015. Collection method: clinical testing. Allele origin: germline.
Comment: Variant summary: SRD5A2 c.635C>G (p.Ala212Gly) results in a non-conservative amino acid change in the encoded protein sequence. Algorithms developed to predict the effect of missense changes on protein structure and function are either unavailable or do not agree on the potential impact of this missense change. The variant was absent in 248946 control chromosomes. The available data on variant occurrences in the general population are insufficient to allow any conclusion about variant significance. To our knowledge, no occurrence of c.635C>G in individuals affected with 3-Oxo-5 alpha-steroid delta 4-dehydrogenase deficiency and no experimental evidence demonstrating its impact on protein function have been reported. No submitters have cited clinical-significance assessments for this variant to ClinVar. Based on the evidence outlined above, the variant was classified as uncertain significance.

Clinical Molecular Genetics Laboratory, Johns Hopkins All Children's Hospital
Classification: Pathogenic for 3-Oxo-5 alpha-steroid delta 4-dehydrogenase deficiency. Last evaluated: 2010-03-17. Review status: no assertion criteria provided. Collection method: clinical testing. Allele origin: germline. Affected: yes. Not counted in ClinVar's aggregate classification.

OMIM
Classification: Pathogenic for PSEUDOVAGINAL PERINEOSCROTAL HYPOSPADIAS. Last evaluated: 2000-09-01. Review status: no assertion criteria provided. Collection method: literature only. Allele origin: germline. Not counted in ClinVar's aggregate classification.

Literature cited by the submitters: PubMed 9135696 (cited by 3billion and Labcorp Genetics (formerly Invitae), Labcorp); PubMed 20019388 (cited by 3billion and Labcorp Genetics (formerly Invitae), Labcorp); PubMed 8110760 (cited by Labcorp Genetics (formerly Invitae), Labcorp); PubMed 8262007 (cited by Labcorp Genetics (formerly Invitae), Labcorp); PubMed 10718838 (cited by Labcorp Genetics (formerly Invitae), Labcorp); PubMed 10999800 (cited by Labcorp Genetics (formerly Invitae), Labcorp and OMIM); PubMed 24665940 (cited by Labcorp Genetics (formerly Invitae), Labcorp).

NM_000348.4(SRD5A2):c.635C>G (p.Pro212Arg)

Gene: SRD5A2 (steroid 5 alpha-reductase 2; minus strand). Cytogenetic location: 2p23.1.
Variant type: single nucleotide variant.
Coding change: c.635C>G on transcript NM_000348.4 (MANE Select); coding-DNA position 635, C replaced by G.
Protein change: p.Pro212Arg; replaces proline 212 with arginine.
Molecular consequence: missense variant.
Genome position (GRCh38, 1-based): chr2:31,529,370, G>C on the plus strand (C>G on the coding strand, the complement: SRD5A2 is on the minus strand). VCF-style: chr2-31529370-G-C. GRCh37 (hg19) VCF-style: chr2-31754440-G-C.
Other names: short protein forms P212R.
Identifiers: ClinVar variation 3348 (VCV000003348.10), dbSNP rs121434252, ClinGen allele CA340083.